The following is an entry in ClinVar:

NM_000059.4(BRCA2):c.28A>C (p.Thr10Pro)

Gene: BRCA2 (BRCA2 DNA repair associated; plus strand). Cytogenetic location: 13q13.1.
Variant type: single nucleotide variant.
Coding change: c.28A>C on transcript NM_000059.4 (MANE Select); coding-DNA position 28, A replaced by C.
Protein change: p.Thr10Pro; replaces threonine 10 with proline.
Molecular consequence: missense variant.
Genome position (GRCh38, 1-based): chr13:32,316,488, A>C. VCF-style: chr13-32316488-A-C. GRCh37 (hg19) VCF-style: chr13-32890625-A-C.
Other names: short protein forms T10P.
Identifiers: ClinVar variation 641246 (VCV000641246.9), dbSNP rs786203080, ClinGen allele CA387752984.
Genomic context (GRCh38, chr13:32,316,488, plus strand): 5'-TTACCAAGCATTGGAGGAATATCGTAGGTAAAAATGCCTATTGGATCCAAAGAGAGGCCA[A>C]CATTTTTTGAAATTTTTAAGACACGCTGCAACAAAGCAGGTATTGACAAATTTTATATAA-3'
Protein context (NP_000050.3, residues 1-20): MPIGSKERP[Thr10Pro]FFEIFKTRCN

ClinVar aggregate classification (germline): Uncertain significance (1 of 4 stars; one submission).

Conditions:
Hereditary breast ovarian cancer syndrome. Also called: Hereditary breast and ovarian cancer; Hereditary breast and ovarian cancer syndrome (HBOC); BRCA1- and BRCA2-Associated Hereditary Breast and Ovarian Cancer; Hereditary breast and ovarian cancer syndrome; Hereditary breast and/or ovarian cancer syndrome; Breast and ovarian cancer. Identifiers: Orphanet 145, MedGen C0677776, MeSH D061325, MONDO:0003582. Disease mechanism: loss of function.

Submission:

Labcorp Genetics (formerly Invitae), Labcorp
Classification: Uncertain significance for Hereditary breast ovarian cancer syndrome. Last evaluated: 2018-10-10. Review status: criteria provided, single submitter. Criteria: Invitae Variant Classification Sherloc (09022015). Collection method: clinical testing. Allele origin: germline.
Comment: In summary, the available evidence is currently insufficient to determine the role of this variant in disease. Therefore, it has been classified as a Variant of Uncertain Significance. Algorithms developed to predict the effect of missense changes on protein structure and function are either unavailable or do not agree on the potential impact of this missense change (SIFT: "Deleterious"; PolyPhen-2: "Possibly Damaging"; Align-GVGD: "Class C0"). This variant has not been reported in the literature in individuals with BRCA2-related disease. This variant is not present in population databases (ExAC no frequency). This sequence change replaces threonine with proline at codon 10 of the BRCA2 protein (p.Thr10Pro). The threonine residue is moderately conserved and there is a small physicochemical difference between threonine and proline.